The following is an entry in ClinVar:

ClinVar aggregate classification (germline): Likely benign. Review status: criteria provided, single submitter (1 of 4 stars). 2 submissions from 2 submitters: Likely benign (1). 1 of the submissions does not count toward it. Last evaluated 2017-11-28.

Conditions:
CDKL5-related disorder.

Allele frequency attached by ClinVar (database versions not stated): gnomAD exomes 0.00008 and 0.00038; gnomAD 0.00013 and 0.00017; TOPMed 0.00019; ExAC 0.00047; 1000 Genomes Project 0.00079; 1000 Genomes Project 30x 0.00083.
gnomAD v4.1: 109 of 1,182,821 alleles (0.0092%); highest among the groups gnomAD compares: East Asian, 0.28%; no homozygotes.

Submissions (2):

GeneDx
Classification: Likely benign. Last evaluated: 2017-11-28. Review status: criteria provided, single submitter. Criteria: GeneDx Variant Classification (06012015). Collection method: clinical testing. Allele origin: germline. Affected: yes.
Comment: This variant is considered likely benign or benign based on one or more of the following criteria: it is a conservative change, it occurs at a poorly conserved position in the protein, it is predicted to be benign by multiple in silico algorithms, and/or has population frequency not consistent with disease.

PreventionGenetics, part of Exact Sciences
Classification: Likely benign for CDKL5-related condition. Last evaluated: 2024-04-18. Review status: no assertion criteria provided. Collection method: clinical testing. Allele origin: germline. Not counted in ClinVar's aggregate classification.
Comment: This variant is classified as likely benign based on ACMG/AMP sequence variant interpretation guidelines (Richards et al. 2015 PMID: 25741868, with internal and published modifications).

NM_001323289.2(CDKL5):c.-5T>A

Gene: CDKL5 (cyclin dependent kinase like 5; plus strand). Cytogenetic location: Xp22.13.
Variant type: single nucleotide variant.
Coding change: c.-5T>A on transcript NM_001323289.2 (MANE Select); 5 bases upstream of the start codon, T replaced by A.
Molecular consequence: 5 prime UTR variant.
Genome position (GRCh38, 1-based): chrX:18,507,092, T>A. VCF-style: chrX-18507092-T-A. GRCh37 (hg19) VCF-style: chrX-18525212-T-A.
Other names: c.-5T>A (NM_001037343.2, NM_003159.3).
Identifiers: ClinVar variation 379694 (VCV000379694.2), dbSNP rs79219416, ClinGen allele CA10360167.